The following is an entry in ClinVar:

NM_001039958.2(MESP2):c.307G>T (p.Glu103Ter)

Genes: MESP2 (mesoderm posterior bHLH transcription factor 2; plus strand), LOC130057891 (ATAC-STARR-seq lymphoblastoid silent region 6806; plus strand). Cytogenetic location: 15q26.1.
Variant type: single nucleotide variant.
Coding change: c.307G>T on transcript NM_001039958.2 (MANE Select); coding-DNA position 307, G replaced by T.
Protein change: p.Glu103Ter; replaces glutamic acid 103 with a stop codon.
Molecular consequence: nonsense.
Genome position (GRCh38, 1-based): chr15:89,776,664, G>T. VCF-style: chr15-89776664-G-T. GRCh37 (hg19) VCF-style: chr15-90319895-G-T.
Other names: short protein forms E103*.
Identifiers: ClinVar variation 5184 (VCV000005184.21), dbSNP rs71647808, ClinGen allele CA340356.

ClinVar aggregate classification (germline): Pathogenic. Review status: criteria provided, multiple submitters, no conflicts (2 of 4 stars). 8 submissions from 8 submitters: Pathogenic (6). 2 of the submissions do not count toward it. Last evaluated 2026-01-26.

Conditions:
MESP2-related disorders.
Spondylocostal dysostosis 2, autosomal recessive (SCDO2). Also called: MESP2-Related Spondylocostal Dysostosis, Autosomal Recessive; Spondylocostal dysostosis type 2. Identifiers: Orphanet 2311, MedGen C1837549, MONDO:0012097, OMIM 608681.

Allele frequency attached by ClinVar (database versions not stated): 1000 Genomes Project 30x 0.00016; TOPMed 0.00006.

Submissions (8):

Labcorp Genetics (formerly Invitae), Labcorp
Classification: Pathogenic. Last evaluated: 2026-01-26. Review status: criteria provided, single submitter. Criteria: Invitae Variant Classification Sherloc (09022015). Collection method: clinical testing. Allele origin: germline.
Comment: This sequence change creates a premature translational stop signal (p.Glu103*) in the MESP2 gene. It is expected to result in an absent or disrupted protein product. Loss-of-function variants in MESP2 are known to be pathogenic (PMID: 9242490, 18485326). The frequency data for this variant in the population databases is considered unreliable, as metrics indicate poor data quality at this position in the gnomAD database. This premature translational stop signal has been observed in individual(s) with spondylocostal dysostosis (PMID: 18485326). It has also been observed to segregate with disease in related individuals. ClinVar contains an entry for this variant (Variation ID: 5184). For these reasons, this variant has been classified as Pathogenic.

Natera, Inc.
Classification: Pathogenic for Spondylocostal dysostosis type 2. Last evaluated: 2025-10-07. Review status: criteria provided, single submitter. Criteria: Natera Variant Classification Schema (03/2026). Collection method: clinical testing. Allele origin: germline.
Comment: The c.307G>T variant in MESP2 is a nonsense variant predicted to introduce a stop codon at amino acid 103. This variant is expected to result in nonsense mediated decay, truncation, or a dysfunctional protein product. This variant is rare in the general population with a frequency below the threshold expected for the associated phenotype(s). This variant has been observed in one or more individuals affected with the associated recessive disease, as either homozygous or compound heterozygous with a second variant (PMID: 33089894). Given the available evidence, this variant is classified as Pathogenic.

GeneDx
Classification: Pathogenic. Last evaluated: 2025-09-24. Review status: criteria provided, single submitter. Criteria: GeneDx Variant Classification Process June 2021. Collection method: clinical testing. Allele origin: germline. Affected: yes.
Comment: Nonsense variant predicted to result in protein truncation or nonsense mediated decay in a gene for which loss of function is a known mechanism of disease; This variant is associated with the following publications: (PMID: 18485326, 33089894, 32238941, 38702915, 38127843, 39836964, 38713064, 39836966)

Blueprint Genetics
Classification: Pathogenic for MESP2-related disorders. Last evaluated: 2024-09-09. Review status: criteria provided, single submitter. Criteria: ACMG Guidelines, 2015. Collection method: clinical testing. Allele origin: germline. Affected: yes. Observed: 2 variant alleles.

Fulgent Genetics
Classification: Pathogenic for Spondylocostal dysostosis 2, autosomal recessive. Last evaluated: 2024-04-05. Review status: criteria provided, single submitter. Criteria: ACMG Guidelines, 2015. Collection method: clinical testing. Allele origin: germline.

Juno Genomics, Hangzhou Juno Genomics, Inc
Classification: Pathogenic for Spondylocostal dysostosis 2, autosomal recessive. Review status: criteria provided, single submitter. Criteria: ACMG Guidelines, 2015. Collection method: clinical testing. Allele origin: germline.
Comment: Absent from controls (or at extremely low frequency if recessive) in Genome Aggregation Database.;Null variant in a gene where loss of function (LOF) is a known mechanism of disease.;For recessive disorders, detected in trans with a pathogenic variant.;Co-segregation with disease in multiple affected family members.

GeneReviews
Classification: Pathogenic for Spondylothoracic Dysostosis. Last evaluated: 2010-08-05. Review status: no assertion criteria provided. Collection method: curation. Allele origin: unknown. Not counted in ClinVar's aggregate classification.
ClinVar note: Converted during submission from pathologic to Pathogenic.

OMIM
Classification: Pathogenic for SPONDYLOCOSTAL DYSOSTOSIS 2, AUTOSOMAL RECESSIVE. Last evaluated: 2008-06-01. Review status: no assertion criteria provided. Collection method: literature only. Allele origin: germline. Not counted in ClinVar's aggregate classification.

Literature cited by the submitters: PubMed 9242490 (cited by Labcorp Genetics (formerly Invitae), Labcorp); PubMed 18485326 (cited by Labcorp Genetics (formerly Invitae), Labcorp and OMIM); PubMed 33089894 (cited by Natera, Inc.).